The following is an entry in ClinVar:

ClinVar aggregate classification (germline): conflicting data from submitters (0 of 4 stars; one submission).

Submission:

ISCA Site 6
Classification: conflicting data from submitters. Review status: no assertion criteria provided. Collection method: clinical testing. Allele origin: unknown. Affected: yes. Observed: 6 variant alleles. Clinical features observed: Developmental delay AND/OR other significant developmental or morphological phenotypes.
Comment: Uncertain significance(5), Likely benign (1)

Copy number variation identified through the course of routine clinical cytogenomic testing in postnatal populations, with clinical assertions as classified by the original submitter. For data from the original published study, Kaminsky, et al. 2011 (PubMed 21844811), please see nstd101.

GRCh37/hg19 6p12.3(chr6:49430382-49479720)x3

Genes: CENPQ (centromere protein Q; plus strand), GLYATL3 (glycine-N-acyltransferase like 3; plus strand), MMUT (methylmalonyl-CoA mutase; minus strand). Cytogenetic location: 6p12.3.
Variant type: copy number gain.
Change: copy number 3 (three copies instead of two) of chr6:49,430,382-49,479,720 (49.3 kb, GRCh37 coordinates, 1-based), cytogenetic band 6p12.3.
Identifiers: ClinVar variation 394678 (VCV000394678.4).